The following is an entry in ClinVar:

NM_000553.6(WRN):c.3529_3530del (p.Ile1177fs)

Gene: WRN (WRN RecQ like helicase; plus strand). Cytogenetic location: 8p12.
Variant type: Deletion.
Coding change: c.3529_3530del on transcript NM_000553.6 (MANE Select); coding-DNA positions 3529 to 3530, 2 bases deleted (AT; older notation c.3529_3530delAT).
Protein change: p.Ile1177fs; shifts the reading frame from isoleucine 1177.
Molecular consequence: frameshift variant.
Genome position (GRCh38, 1-based): chr8:31,147,433-31,147,434, AT deleted; deleting any 2 consecutive bases within chr8:31,147,432-31,147,434 gives the same sequence; the c. name uses the placement nearest the transcript's 3' end. VCF-style (leftmost placement, unchanged base first): chr8-31147431-CTA-C. GRCh37 (hg19) VCF-style: chr8-31004947-CTA-C.
Other names: short protein forms I1177fs.
Identifiers: ClinVar variation 2846014 (VCV002846014.3), dbSNP rs2536043255, ClinGen allele CA2739279017.

ClinVar aggregate classification (germline): Pathogenic (1 of 4 stars; one submission).

Conditions:
Werner syndrome (WRN). Identifiers: Orphanet 902, MedGen C0043119, MONDO:0010196, OMIM 277700.

Submission:

Labcorp Genetics (formerly Invitae), Labcorp
Classification: Pathogenic for Werner syndrome. Last evaluated: 2023-03-30. Review status: criteria provided, single submitter. Criteria: Invitae Variant Classification Sherloc (09022015). Collection method: clinical testing. Allele origin: germline.
Comment: For these reasons, this variant has been classified as Pathogenic. This variant has not been reported in the literature in individuals affected with WRN-related conditions. This variant is not present in population databases (gnomAD no frequency). This sequence change creates a premature translational stop signal (p.Ile1177Serfs*19) in the WRN gene. It is expected to result in an absent or disrupted protein product. Loss-of-function variants in WRN are known to be pathogenic (PMID: 16673358).

Literature cited by the submitters: PubMed 16673358.